The following is an entry in ClinVar:

ClinVar aggregate classification (germline): Uncertain significance (1 of 4 stars; one submission).

Submission:

Ambry Genetics
Classification: Uncertain significance. Last evaluated: 2023-10-10. Review status: criteria provided, single submitter. Criteria: Ambry Variant Classification Scheme 2023. Collection method: clinical testing. Allele origin: germline.
Comment: The p.I538V variant (also known as c.1612A>G) is located in coding exon 11 of the POLQ gene. The isoleucine at codon 538 is replaced by valine, an amino acid with highly similar properties. This change occurs in the first base pair of coding exon 11. This amino acid position is conserved. In addition, this alteration is predicted to be tolerated by in silico analysis. Since supporting evidence is limited at this time, the clinical significance of this alteration remains unclear.

NM_199420.4(POLQ):c.1612A>G (p.Ile538Val)

Gene: POLQ (DNA polymerase theta; minus strand). Cytogenetic location: 3q13.33.
Variant type: single nucleotide variant.
Coding change: c.1612A>G on transcript NM_199420.4 (MANE Select); coding-DNA position 1612, A replaced by G.
Protein change: p.Ile538Val; replaces isoleucine 538 with valine.
Molecular consequence: missense variant.
Genome position (GRCh38, 1-based): chr3:121,510,243, T>C on the plus strand (A>G on the coding strand, the complement: POLQ is on the minus strand). VCF-style: chr3-121510243-T-C. GRCh37 (hg19) VCF-style: chr3-121229090-T-C.
Other names: short protein forms I538V.
Identifiers: ClinVar variation 3229846 (VCV003229846.1), dbSNP rs752356674, ClinGen allele CA81851581.